The following is an entry in ClinVar:

ClinVar aggregate classification (germline): Likely pathogenic (1 of 4 stars; one submission).

Conditions:
Peroxisome biogenesis disorder. Identifiers: Orphanet 79189, MedGen C1832200, MONDO:0019234. Disease mechanism: loss of function.

Submissions (2):

Labcorp Genetics (formerly Invitae), Labcorp
Classification: Likely pathogenic for Peroxisome biogenesis disorder. Last evaluated: 2024-01-27. Review status: criteria provided, single submitter. Criteria: Invitae Variant Classification Sherloc (09022015). Collection method: clinical testing. Allele origin: germline.
Comment: This sequence change affects an acceptor splice site in intron 3 of the PEX16 gene. It is expected to disrupt RNA splicing. Variants that disrupt the donor or acceptor splice site typically lead to a loss of protein function (PMID: 16199547), and loss-of-function variants in PEX16 are known to be pathogenic (PMID: 9837814, 11890679, 20647552, 20681997). This variant is not present in population databases (gnomAD no frequency). This variant has not been reported in the literature in individuals affected with PEX16-related conditions. Algorithms developed to predict the effect of sequence changes on RNA splicing suggest that this variant may disrupt the consensus splice site. In summary, the currently available evidence indicates that the variant is pathogenic, but additional data are needed to prove that conclusively. Therefore, this variant has been classified as Likely Pathogenic.

Dr. Peter K. Rogan Lab, Western University
No classification provided (evidence only). Condition: Ovarian serous cystadenocarcinoma. Review status: no classification provided. Collection method: in vitro. Allele origin: not applicable. Functional consequence: retained intron. Not counted in ClinVar's aggregate classification.

Literature cited by the submitters: PubMed 16199547 (cited by Labcorp Genetics (formerly Invitae), Labcorp); PubMed 9837814 (cited by Labcorp Genetics (formerly Invitae), Labcorp); PubMed 11890679 (cited by Labcorp Genetics (formerly Invitae), Labcorp); PubMed 20647552 (cited by Labcorp Genetics (formerly Invitae), Labcorp); PubMed 20681997 (cited by Labcorp Genetics (formerly Invitae), Labcorp).

NM_004813.4(PEX16):c.226-2A>C

Gene: PEX16 (peroxisomal biogenesis factor 16; minus strand). Cytogenetic location: 11p11.2.
Variant type: single nucleotide variant.
Coding change: c.226-2A>C on transcript NM_004813.4 (MANE Select); the canonical splice acceptor site of the intron before coding-DNA position 226, A replaced by C.
Molecular consequence: splice acceptor variant.
Genome position (GRCh38, 1-based): chr11:45,915,838, T>G on the plus strand (A>C on the coding strand, the complement: PEX16 is on the minus strand). VCF-style: chr11-45915838-T-G. GRCh37 (hg19) VCF-style: chr11-45937389-T-G.
Other names: c.226-2A>C (NM_057174.3).
Identifiers: ClinVar variation 2713829 (VCV002713829.4), dbSNP rs2494905864, ClinGen allele CA380228969.